The following is an entry in ClinVar:

NM_002221.4(ITPKB):c.1655C>A (p.Pro552Gln)

Gene: ITPKB (inositol-trisphosphate 3-kinase B; minus strand). Cytogenetic location: 1q42.12.
Variant type: single nucleotide variant.
Coding change: c.1655C>A on transcript NM_002221.4 (MANE Select); coding-DNA position 1655, C replaced by A.
Protein change: p.Pro552Gln; replaces proline 552 with glutamine.
Molecular consequence: missense variant.
Genome position (GRCh38, 1-based): chr1:226,735,804, G>T on the plus strand (C>A on the coding strand, the complement: ITPKB is on the minus strand). VCF-style: chr1-226735804-G-T. GRCh37 (hg19) VCF-style: chr1-226923505-G-T.
Other names: p.Pro552Gln; c.1655C>A (NM_002221.3); c.1655C>A, p.Pro552Gln (NM_001388404.1); short protein forms P552Q.
Identifiers: ClinVar variation 1705897 (VCV001705897.9), dbSNP rs708776, ClinGen allele CA1423888.

ClinVar aggregate classification (germline): Benign. Review status: criteria provided, multiple submitters, no conflicts (2 of 4 stars). 7 submissions from 7 submitters: Benign (5). 2 of the submissions do not count toward it. Last evaluated 2026-01-21.

Conditions:
ITPKB-related disorder. Also called: ITPKB-related condition.
Myeloproliferative neoplasm, unclassifiable. Identifiers: Orphanet 86830, MedGen C1333046, MONDO:0019452.

Allele frequency attached by ClinVar (database versions not stated): gnomAD exomes 0.94873; ESP Exome Variant Server 0.95879; TOPMed 0.96404; 1000 Genomes Project 0.97983; 1000 Genomes Project 30x 0.98001.
gnomAD v4.1: 1,527,470 of 1,607,554 alleles (95%); highest among the groups gnomAD compares: East Asian, 100%; 726,057 homozygotes.

Submissions (7):

Women's Health and Genetics/Laboratory Corporation of America, LabCorp
Classification: Benign. Last evaluated: 2026-01-21. Review status: criteria provided, single submitter. Criteria: LabCorp Variant Classification Summary - May 2015. Collection method: clinical testing. Allele origin: germline.

Center for Genomic Medicine, Rigshospitalet, Copenhagen University Hospital
Classification: Benign. Last evaluated: 2025-03-04. Review status: criteria provided, single submitter. Criteria: ACMG Guidelines, 2015. Collection method: clinical testing. Allele origin: germline.

Laboratory of Genetics, Children's Clinical University Hospital Latvia
Classification: Benign. Last evaluated: 2025-02-16. Review status: criteria provided, single submitter. Criteria: ACMG Guidelines, 2015. Collection method: clinical testing. Allele origin: germline. Affected: yes.

Unidad de Genómica Garrahan, Hospital de Pediatría Garrahan
Classification: Benign. Last evaluated: 2024-01-24. Review status: criteria provided, single submitter. Criteria: ACMG Guidelines, 2015. Collection method: clinical testing. Allele origin: germline. Affected: no. Observed: 94 variant alleles.
Comment: This variant is classified as Benign based on local population frequency. This variant was detected in 99% of patients studied by a panel of primary immunodeficiencies. Number of patients: 94. Only high quality variants are reported.

Mayo Clinic Laboratories, Mayo Clinic
Classification: Benign. Last evaluated: 2022-09-06. Review status: criteria provided, single submitter. Criteria: ACMG Guidelines, 2015. Collection method: clinical testing. Allele origin: germline. Observed: 5 variant alleles.

Department of Pathology and Laboratory Medicine, Sinai Health System
Classification: Uncertain significance for ITPKB-related disorder. Last evaluated: 2023-04-17. Review status: flagged submission. Criteria: ACMG Guidelines, 2015. Collection method: research. Allele origin: germline. Not counted in ClinVar's aggregate classification.
ClinVar note: Reason: Outlier claim with insufficient supporting evidence

Dept. of Cytogenetics, ICMR- National Institute of Immunohaematology
Classification: Likely pathogenic for Myeloproliferative neoplasm, unclassifiable. Last evaluated: 2022-08-25. Review status: flagged submission. Criteria: Oncogenicity SOP (ClinGen, CGC, VICC guidelines) 2022. Collection method: clinical testing. Allele origin: somatic. Affected: yes. Observed: 33 variant alleles. Not counted in ClinVar's aggregate classification.
ClinVar note: Reason: Outlier claim with insufficient supporting evidence